The following is an entry in ClinVar:

ClinVar aggregate classification (germline): Uncertain significance. Review status: criteria provided, multiple submitters, no conflicts (2 of 4 stars). 2 submissions from 2 submitters: Uncertain significance (2). Last evaluated 2025-07-18.

Allele frequency attached by ClinVar (database versions not stated): TOPMed below 0.00001; gnomAD 0.00001.
gnomAD v4.1: 2 of 1,614,034 alleles (0.00012%); highest among the groups gnomAD compares: African/African-American, 0.0013%; no homozygotes.

Submissions (2):

GeneDx
Classification: Uncertain significance. Last evaluated: 2025-07-18. Review status: criteria provided, single submitter. Criteria: GeneDx Variant Classification Process June 2021. Collection method: clinical testing. Allele origin: germline. Affected: yes.
Comment: Not observed at significant frequency in large population cohorts (gnomAD); In silico analysis supports that this missense variant has a deleterious effect on protein structure/function; Has not been previously published as pathogenic or benign to our knowledge

Blueprint Genetics
Classification: Uncertain significance. Last evaluated: 2017-10-17. Review status: criteria provided, single submitter. Criteria: ACMG Guidelines, 2015. Collection method: clinical testing. Allele origin: germline.

NM_014014.5(SNRNP200):c.4042G>A (p.Val1348Met)

Gene: SNRNP200 (small nuclear ribonucleoprotein U5 subunit 200; minus strand). Cytogenetic location: 2q11.2.
Variant type: single nucleotide variant.
Coding change: c.4042G>A on transcript NM_014014.5 (MANE Select); coding-DNA position 4042, G replaced by A.
Protein change: p.Val1348Met; replaces valine 1348 with methionine.
Molecular consequence: missense variant.
Genome position (GRCh38, 1-based): chr2:96,285,302, C>T on the plus strand (G>A on the coding strand, the complement: SNRNP200 is on the minus strand). VCF-style: chr2-96285302-C-T. GRCh37 (hg19) VCF-style: chr2-96951040-C-T.
Other names: short protein forms V1348M.
Identifiers: ClinVar variation 866466 (VCV000866466.3), dbSNP rs2063837543, ClinGen allele CA347669191.
Genomic context (GRCh38, chr2:96,285,302, plus strand): 5'-GCATTCGCAGGATGGCAAACTCTGCACAAATAGTCTTCCCGCTGCCCGTGGGGGCCCCCA[C>T]AAACACGTTGTCGTCACTGTTGTATACAGTGTTAAACACTGGAAACCAACAGAAAGAAGC-3'
Protein context (NP_054733.2, residues 1338-1358): TVYNSDDNVF[Val1348Met]GAPTGSGKTI